The following is an entry in ClinVar:

ClinVar aggregate classification (germline): Conflicting classifications of pathogenicity. Review status: criteria provided, conflicting classifications (1 of 4 stars). 2 submissions from 2 submitters: Likely pathogenic (1); Uncertain significance (1). Last evaluated 2023-01-16.

Submissions (2):

Labcorp Genetics (formerly Invitae), Labcorp
Classification: Uncertain significance. Last evaluated: 2023-01-16. Review status: criteria provided, single submitter. Criteria: Invitae Variant Classification Sherloc (09022015). Collection method: clinical testing. Allele origin: germline.
Comment: Advanced modeling of protein sequence and biophysical properties (such as structural, functional, and spatial information, amino acid conservation, physicochemical variation, residue mobility, and thermodynamic stability) performed at Invitae indicates that this missense variant is not expected to disrupt SAMD9 protein function. In summary, the available evidence is currently insufficient to determine the role of this variant in disease. Therefore, it has been classified as a Variant of Uncertain Significance. ClinVar contains an entry for this variant (Variation ID: 810129). This sequence change replaces proline, which is neutral and non-polar, with serine, which is neutral and polar, at codon 1400 of the SAMD9 protein (p.Pro1400Ser). This variant is not present in population databases (gnomAD no frequency). This missense change has been observed in individual(s) with SAMD9-related conditions (PMID: 34958143).

CeGaT Center for Human Genetics Tuebingen
Classification: Likely pathogenic. Last evaluated: 2018-03-01. Review status: criteria provided, single submitter. Criteria: CeGaT Center For Human Genetics Tuebingen Variant Classification Criteria Version 2. Collection method: clinical testing. Allele origin: germline. Affected: yes. Observed: 1 variant allele.

Literature cited by the submitters: PubMed 34958143 (cited by Labcorp Genetics (formerly Invitae), Labcorp).

NM_017654.4(SAMD9):c.4198C>T (p.Pro1400Ser)

Gene: SAMD9 (sterile alpha motif domain containing 9; minus strand). Cytogenetic location: 7q21.2.
Variant type: single nucleotide variant.
Coding change: c.4198C>T on transcript NM_017654.4 (MANE Select); coding-DNA position 4198, C replaced by T.
Protein change: p.Pro1400Ser; replaces proline 1400 with serine.
Molecular consequence: missense variant.
Genome position (GRCh38, 1-based): chr7:93,101,900, G>A on the plus strand (C>T on the coding strand, the complement: SAMD9 is on the minus strand). VCF-style: chr7-93101900-G-A. GRCh37 (hg19) VCF-style: chr7-92731213-G-A.
Other names: c.4198C>T, p.Pro1400Ser (NM_001193307.2); short protein forms P1400S.
Identifiers: ClinVar variation 810129 (VCV000810129.45), dbSNP rs1584251663, ClinGen allele CA368180226.